The following is an entry in ClinVar:

NM_000051.4(ATM):c.1595G>T (p.Cys532Phe)

Gene: ATM (ATM serine/threonine kinase; plus strand). Cytogenetic location: 11q22.3.
Variant type: single nucleotide variant.
Coding change: c.1595G>T on transcript NM_000051.4 (MANE Select); coding-DNA position 1595, G replaced by T.
Protein change: p.Cys532Phe; replaces cysteine 532 with phenylalanine.
Molecular consequence: missense variant.
Genome position (GRCh38, 1-based): chr11:108,251,060, G>T. VCF-style: chr11-108251060-G-T. GRCh37 (hg19) VCF-style: chr11-108121787-G-T.
Other names: c.1595G>T, p.Cys532Phe (NM_001351834.2); short protein forms C532F.
Identifiers: ClinVar variation 3720437 (VCV003720437.2).
Genomic context (GRCh38, chr11:108,251,060, plus strand): 5'-TTCAGGGTAGTTTAGTTGAGGTTGACAGAGAATTCTGGAAGTTATTTACTGGGTCAGCCT[G>T]CAGACCTTCATGGTAAGTTCAGCATGCATTATGTCTGACTTACAGATAAACACACACAGA-3'
Protein context (NP_000042.3, residues 522-542): EFWKLFTGSA[Cys532Phe]RPSCPAVCCL

ClinVar aggregate classification (germline): Uncertain significance (1 of 4 stars; one submission).

Conditions:
Ataxia-telangiectasia syndrome (AT). Also called: ATAXIA-TELANGIECTASIA, COMPLEMENTATION GROUP A; ATAXIA-TELANGIECTASIA, FRESNO VARIANT; Ataxia-telangiectasia; Ataxia-telangiectasia, complementation group E; Ataxia telangiectasia (A-T); LOUIS-BAR SYNDROME. Identifiers: Orphanet 100, MedGen C0004135, MONDO:0008840, OMIM 208900.

gnomAD v4.1: 1 of 1,614,030 alleles (0.000062%); highest among the groups gnomAD compares: Non-Finnish European, 0.000085%; no homozygotes.

Submission:

Labcorp Genetics (formerly Invitae), Labcorp
Classification: Uncertain significance for Ataxia-telangiectasia syndrome. Last evaluated: 2024-11-20. Review status: criteria provided, single submitter. Criteria: Invitae Variant Classification Sherloc (09022015). Collection method: clinical testing. Allele origin: germline.
Comment: This sequence change replaces cysteine, which is neutral and slightly polar, with phenylalanine, which is neutral and non-polar, at codon 532 of the ATM protein (p.Cys532Phe). This variant is present in population databases (no rsID available, gnomAD 0.0009%). This variant has not been reported in the literature in individuals affected with ATM-related conditions. Invitae Evidence Modeling of protein sequence and biophysical properties (such as structural, functional, and spatial information, amino acid conservation, physicochemical variation, residue mobility, and thermodynamic stability) indicates that this missense variant is not expected to disrupt ATM protein function with a negative predictive value of 95%. In summary, the available evidence is currently insufficient to determine the role of this variant in disease. Therefore, it has been classified as a Variant of Uncertain Significance.